The following is an entry in ClinVar:

NM_022835.3(PLEKHG2):c.4126G>C (p.Ala1376Pro)

Gene: PLEKHG2 (pleckstrin homology and RhoGEF domain containing G2; plus strand). Cytogenetic location: 19q13.2.
Variant type: single nucleotide variant.
Coding change: c.4126G>C on transcript NM_022835.3 (MANE Select); coding-DNA position 4126, G replaced by C.
Protein change: p.Ala1376Pro; replaces alanine 1376 with proline.
Molecular consequence: missense variant. On other transcripts: synonymous variant (1).
Genome position (GRCh38, 1-based): chr19:39,425,259, G>C. VCF-style: chr19-39425259-G-C. GRCh37 (hg19) VCF-style: chr19-39915899-G-C.
Other names: c.1699G>C, p.Ala567Pro (NM_001351694.2); c.3594G>C, p.Gly1198= (NM_001351693.2); short protein forms A1376P, A567P.
Identifiers: ClinVar variation 3778511 (VCV003778511.7).

ClinVar aggregate classification (germline): Uncertain significance (1 of 4 stars; one submission).

gnomAD v4.1: 1 of 1,613,072 alleles (0.000062%); no homozygotes.

Submission:

CeGaT Center for Human Genetics Tuebingen
Classification: Uncertain significance. Last evaluated: 2025-03-01. Review status: criteria provided, single submitter. Criteria: CeGaT Center For Human Genetics Tuebingen Variant Classification Criteria Version 2. Collection method: clinical testing. Allele origin: germline. Affected: yes. Observed: 1 variant allele.
Comment: PLEKHG2: PM2, BP4